The following is an entry in ClinVar:

ClinVar aggregate classification (germline): Uncertain significance. Review status: criteria provided, multiple submitters, no conflicts (2 of 4 stars). 2 submissions from 2 submitters: Uncertain significance (2). Last evaluated 2023-12-05.

Conditions:
Hereditary cancer-predisposing syndrome. Also called: Neoplastic Syndromes, Hereditary; Tumor predisposition; Hereditary Cancer Syndrome; Hereditary neoplastic syndrome. Identifiers: Orphanet 140162, MedGen C0027672, MeSH D009386, MONDO:0015356.

Submissions (2):

Color Diagnostics, LLC DBA Color Health
Classification: Uncertain significance for Hereditary cancer-predisposing syndrome. Last evaluated: 2023-12-05. Review status: criteria provided, single submitter. Criteria: ACMG Guidelines, 2015. Collection method: clinical testing. Allele origin: germline.
Comment: This missense variant replaces proline with leucine at codon 391 of the BAP1 protein. Computational prediction suggests that this variant may not impact protein structure and function (internally defined REVEL score threshold <= 0.5, PMID: 27666373). To our knowledge, functional studies have not been reported for this variant. This variant has not been reported in individuals affected with BAP1-related disorders in the literature. This variant has not been identified in the general population by the Genome Aggregation Database (gnomAD). The available evidence is insufficient to determine the role of this variant in disease conclusively. Therefore, this variant is classified as a Variant of Uncertain Significance.

Ambry Genetics
Classification: Uncertain significance for Hereditary cancer-predisposing syndrome. Last evaluated: 2023-05-26. Review status: criteria provided, single submitter. Criteria: Ambry Variant Classification Scheme 2023. Collection method: clinical testing. Allele origin: germline.
Comment: The p.P391L variant (also known as c.1172C>T), located in coding exon 12 of the BAP1 gene, results from a C to T substitution at nucleotide position 1172. The proline at codon 391 is replaced by leucine, an amino acid with similar properties. This amino acid position is conserved. In addition, this alteration is predicted to be tolerated by in silico analysis. Since supporting evidence is limited at this time, the clinical significance of this alteration remains unclear.

NM_004656.4(BAP1):c.1172C>T (p.Pro391Leu)

Gene: BAP1 (BRCA1 associated deubiquitinase 1; minus strand). Cytogenetic location: 3p21.1.
Variant type: single nucleotide variant.
Coding change: c.1172C>T on transcript NM_004656.4 (MANE Select); coding-DNA position 1172, C replaced by T.
Protein change: p.Pro391Leu; replaces proline 391 with leucine.
Molecular consequence: missense variant.
Genome position (GRCh38, 1-based): chr3:52,404,531, G>A on the plus strand (C>T on the coding strand, the complement: BAP1 is on the minus strand). VCF-style: chr3-52404531-G-A. GRCh37 (hg19) VCF-style: chr3-52438547-G-A.
Other names: c.1172C>T (NM_004656.2); short protein forms P391L.
Identifiers: ClinVar variation 919824 (VCV000919824.6), dbSNP rs1705085614, ClinGen allele CA353103218.